The following is an entry in ClinVar:

NM_001166108.2(PALLD):c.1965-12660C>T

Gene: PALLD (palladin, cytoskeletal associated protein; plus strand). Cytogenetic location: 4q32.3.
Variant type: single nucleotide variant.
Coding change: c.1965-12660C>T on transcript NM_001166108.2 (MANE Select); 12660 bases into the intron before coding-DNA position 1965, C replaced by T.
Molecular consequence: intron variant. On other transcripts: missense variant (1).
Genome position (GRCh38, 1-based): chr4:168,878,262, C>T. VCF-style: chr4-168878262-C-T. GRCh37 (hg19) VCF-style: chr4-169799413-C-T.
Other names: c.-157-12660C>T (NM_001367567.1, NM_001367569.1, NM_001367570.1 and 1 more transcripts); c.371C>T, p.Ser124Phe (NM_001166110.2); c.1965-12660C>T (NM_016081.4); c.819-12660C>T (NM_001166109.2); short protein forms S124F.
Identifiers: ClinVar variation 5026263 (VCV005026263.1).

ClinVar aggregate classification (germline): Uncertain significance (1 of 4 stars; one submission).

gnomAD v4.1: 1 of 1,526,160 alleles (0.000066%); highest among the groups gnomAD compares: Non-Finnish European, 0.000087%; no homozygotes.

Submission:

Ambry Genetics
Classification: Uncertain significance. Last evaluated: 2026-09-14. Review status: criteria provided, single submitter. Criteria: Ambry Variant Classification Scheme 2023. Collection method: clinical testing. Allele origin: germline.
Comment: The p.S124F variant (also known as c.371C>T), located in coding exon 1 of the PALLD gene, results from a C to T substitution at nucleotide position 371. The serine at codon 124 is replaced by phenylalanine, an amino acid with highly dissimilar properties. This amino acid position is conserved. In addition, this alteration is predicted to be tolerated by in silico analysis. Based on the available evidence, the clinical significance of this variant remains unclear.